The following is an entry in ClinVar:

NM_001111125.3(IQSEC2):c.2825G>A (p.Arg942Gln)

Gene: IQSEC2 (IQ motif and Sec7 domain ArfGEF 2; minus strand). Cytogenetic location: Xp11.22.
Variant type: single nucleotide variant.
Coding change: c.2825G>A on transcript NM_001111125.3 (MANE Select); coding-DNA position 2825, G replaced by A.
Protein change: p.Arg942Gln; replaces arginine 942 with glutamine.
Molecular consequence: missense variant.
Genome position (GRCh38, 1-based): chrX:53,243,396, C>T on the plus strand (G>A on the coding strand, the complement: IQSEC2 is on the minus strand). VCF-style: chrX-53243396-C-T. GRCh37 (hg19) VCF-style: chrX-53272578-C-T.
Other names: c.2825G>A, p.Arg942Gln (NM_001410736.1, NM_001441092.1); c.2327G>A, p.Arg776Gln (NM_001441093.1); c.2114G>A, p.Arg705Gln (NM_001441094.1, NM_001441095.1); c.2210G>A, p.Arg737Gln (NM_015075.2); short protein forms R737Q, R776Q, R942Q, R705Q.
Identifiers: ClinVar variation 4698807 (VCV004698807.1).
Genomic context (GRCh38, chrX:53,243,396, plus strand): 5'-TTCTTTCCAACAATCATGCGCTCCACAGCCTGCACCTGGGACACATGGTCATCGTTGGTC[C>T]GCAGTTCACGCCCCTGGATGCGCTGGTAGATGCCCACCAGGAGGTCTCGGGGGATGTCTT-3'
Protein context (NP_001104595.1, residues 932-952): IYQRIQGREL[Arg942Gln]TNDDHVSQVQ

ClinVar aggregate classification (germline): Uncertain significance (1 of 4 stars; one submission).

Conditions:
Intellectual developmental disorder, X-linked 1. Also called: Atkin Flaitz Patil Smith syndrome; MENTAL RETARDATION, X-LINKED 18; MENTAL RETARDATION, X-LINKED 78; Intellectual disability, X-linked 1. Identifiers: Orphanet 777, MedGen C2931498, MONDO:0010656, OMIM 309530.

gnomAD v4.1: 5 of 1,166,170 alleles (0.00043%); highest among the groups gnomAD compares: East Asian, 0.0032%; no homozygotes.

Submission:

Labcorp Genetics (formerly Invitae), Labcorp
Classification: Uncertain significance for Intellectual developmental disorder, X-linked 1. Last evaluated: 2025-06-04. Review status: criteria provided, single submitter. Criteria: Invitae Variant Classification Sherloc (09022015). Collection method: clinical testing. Allele origin: germline.
Comment: This sequence change replaces arginine, which is basic and polar, with glutamine, which is neutral and polar, at codon 942 of the IQSEC2 protein (p.Arg942Gln). This variant is not present in population databases (gnomAD no frequency). This variant has not been reported in the literature in individuals affected with IQSEC2-related conditions. Invitae Evidence Modeling of protein sequence and biophysical properties (such as structural, functional, and spatial information, amino acid conservation, physicochemical variation, residue mobility, and thermodynamic stability) indicates that this missense variant is not expected to disrupt IQSEC2 protein function with a negative predictive value of 95%. In summary, the available evidence is currently insufficient to determine the role of this variant in disease. Therefore, it has been classified as a Variant of Uncertain Significance.